The following is an entry in ClinVar:

NM_000057.4(BLM):c.2201C>T (p.Ala734Val)

Gene: BLM (BLM RecQ like helicase; plus strand). Cytogenetic location: 15q26.1.
Variant type: single nucleotide variant.
Coding change: c.2201C>T on transcript NM_000057.4 (MANE Select); coding-DNA position 2201, C replaced by T.
Protein change: p.Ala734Val; replaces alanine 734 with valine.
Molecular consequence: missense variant.
Genome position (GRCh38, 1-based): chr15:90,766,917, C>T. VCF-style: chr15-90766917-C-T. GRCh37 (hg19) VCF-style: chr15-91310147-C-T.
Other names: c.2201C>T, p.Ala734Val (NM_001287246.2, NM_001287247.2); c.1076C>T, p.Ala359Val (NM_001287248.2); short protein forms A734V, A359V.
Identifiers: ClinVar variation 3480824 (VCV003480824.1).
Genomic context (GRCh38, chr15:90,766,917, plus strand): 5'-ATTTTGTCAGGTTAATGTATAAAATTGAAATTGTTTACTACTTTTATACTTAGATTCCAG[C>T]TACATATCTGACAGGTGATAAGACTGACTCAGAAGCTACAAATATTTACCTCCAGTTATC-3'
Protein context (NP_000048.1, residues 724-744): VQKLTSLDIP[Ala734Val]TYLTGDKTDS

ClinVar aggregate classification (germline): Uncertain significance (1 of 4 stars; one submission).

Conditions:
Hereditary cancer-predisposing syndrome. Also called: Tumor predisposition; Neoplastic Syndromes, Hereditary; Hereditary neoplastic syndrome; Hereditary Cancer Syndrome. Identifiers: Orphanet 140162, MedGen C0027672, MeSH D009386, MONDO:0015356.

Submission:

Ambry Genetics
Classification: Uncertain significance for Hereditary cancer-predisposing syndrome. Last evaluated: 2024-08-10. Review status: criteria provided, single submitter. Criteria: Ambry Variant Classification Scheme 2023. Collection method: clinical testing. Allele origin: germline.
Comment: The p.A734V variant (also known as c.2201C>T), located in coding exon 9 of the BLM gene, results from a C to T substitution at nucleotide position 2201. The alanine at codon 734 is replaced by valine, an amino acid with similar properties. This amino acid position is conserved. In addition, this alteration is predicted to be deleterious by in silico analysis. Based on the available evidence, the clinical significance of this variant remains unclear.